The following is an entry in ClinVar:

ClinVar aggregate classification (germline): Uncertain significance (1 of 4 stars; one submission).

Allele frequency attached by ClinVar (database versions not stated): gnomAD exomes below 0.00001.
gnomAD v4.1: 1 of 1,611,244 alleles (0.000062%); highest among the groups gnomAD compares: Non-Finnish European, 0.000085%; no homozygotes.

Submission:

Labcorp Genetics (formerly Invitae), Labcorp
Classification: Uncertain significance. Last evaluated: 2023-05-10. Review status: criteria provided, single submitter. Criteria: Invitae Variant Classification Sherloc (09022015). Collection method: clinical testing. Allele origin: germline.
Comment: In summary, the available evidence is currently insufficient to determine the role of this variant in disease. Therefore, it has been classified as a Variant of Uncertain Significance. Advanced modeling of protein sequence and biophysical properties (such as structural, functional, and spatial information, amino acid conservation, physicochemical variation, residue mobility, and thermodynamic stability) performed at Invitae indicates that this missense variant is not expected to disrupt GCKR protein function. This variant has not been reported in the literature in individuals affected with GCKR-related conditions. This variant is not present in population databases (gnomAD no frequency). This sequence change replaces lysine, which is basic and polar, with asparagine, which is neutral and polar, at codon 451 of the GCKR protein (p.Lys451Asn).

NM_001486.4(GCKR):c.1353G>C (p.Lys451Asn)

Gene: GCKR (glucokinase regulator; plus strand). Cytogenetic location: 2p23.3.
Variant type: single nucleotide variant.
Coding change: c.1353G>C on transcript NM_001486.4 (MANE Select); coding-DNA position 1353, G replaced by C.
Protein change: p.Lys451Asn; replaces lysine 451 with asparagine.
Molecular consequence: missense variant.
Genome position (GRCh38, 1-based): chr2:27,508,182, G>C. VCF-style: chr2-27508182-G-C. GRCh37 (hg19) VCF-style: chr2-27731049-G-C.
Other names: short protein forms K451N.
Identifiers: ClinVar variation 2908907 (VCV002908907.3), dbSNP rs868767544, ClinGen allele CA44543520.